The following is an entry in ClinVar:

ClinVar aggregate classification (germline): Uncertain significance (1 of 4 stars; one submission).

Conditions:
Early-infantile DEE. Also called: Ohtahara syndrome; Early infantile epileptic encephalopathy; Early infantile epileptic encephalopathy with suppression bursts. Identifiers: Orphanet 1934, MedGen C0393706, MONDO:0800491.

gnomAD v4.1: 4 of 1,614,114 alleles (0.00025%); highest among the groups gnomAD compares: Non-Finnish European, 0.00017%; no homozygotes.

Submission:

Labcorp Genetics (formerly Invitae), Labcorp
Classification: Uncertain significance for Early-infantile DEE. Last evaluated: 2025-03-03. Review status: criteria provided, single submitter. Criteria: Invitae Variant Classification Sherloc (09022015). Collection method: clinical testing. Allele origin: germline.
Comment: This sequence change replaces aspartic acid, which is acidic and polar, with asparagine, which is neutral and polar, at codon 2139 of the SPTAN1 protein (p.Asp2139Asn). This variant is not present in population databases (gnomAD no frequency). This variant has not been reported in the literature in individuals affected with SPTAN1-related conditions. Invitae Evidence Modeling of protein sequence and biophysical properties (such as structural, functional, and spatial information, amino acid conservation, physicochemical variation, residue mobility, and thermodynamic stability) has been performed for this missense variant. However, the output from this modeling did not meet the statistical confidence thresholds required to predict the impact of this variant on SPTAN1 protein function. In summary, the available evidence is currently insufficient to determine the role of this variant in disease. Therefore, it has been classified as a Variant of Uncertain Significance.

NM_001130438.3(SPTAN1):c.6415G>A (p.Asp2139Asn)

Gene: SPTAN1 (spectrin alpha, non-erythrocytic 1; plus strand). Cytogenetic location: 9q34.11.
Variant type: single nucleotide variant.
Coding change: c.6415G>A on transcript NM_001130438.3 (MANE Select); coding-DNA position 6415, G replaced by A.
Protein change: p.Asp2139Asn; replaces aspartic acid 2139 with asparagine.
Molecular consequence: missense variant.
Genome position (GRCh38, 1-based): chr9:128,626,526, G>A. VCF-style: chr9-128626526-G-A. GRCh37 (hg19) VCF-style: chr9-131388805-G-A.
Other names: c.6340G>A, p.Asp2114Asn (NM_001195532.2, NM_001438441.1, NM_001438444.1); c.6415G>A, p.Asp2139Asn (NM_001363759.2, NM_001375310.1, NM_001375311.2 and 1 more transcripts); c.6355G>A, p.Asp2119Asn (NM_001363765.2, NM_001375314.2, NM_001438442.1); c.6451G>A, p.Asp2151Asn (NM_001375312.2, NM_001375318.1, NM_001438440.1); c.6400G>A, p.Asp2134Asn (NM_001438443.1, NM_001438445.1, NM_003127.4); short protein forms D2114N, D2139N, D2134N, D2119N, D2151N.
Identifiers: ClinVar variation 4752601 (VCV004752601.1).